The following is an entry in ClinVar:

NM_001271.4(CHD2):c.4142A>G (p.Asp1381Gly)

Gene: CHD2 (chromodomain helicase DNA binding protein 2; plus strand). Cytogenetic location: 15q26.1.
Variant type: single nucleotide variant.
Coding change: c.4142A>G on transcript NM_001271.4 (MANE Select); coding-DNA position 4142, A replaced by G.
Protein change: p.Asp1381Gly; replaces aspartic acid 1381 with glycine.
Molecular consequence: missense variant.
Genome position (GRCh38, 1-based): chr15:93,002,181, A>G. VCF-style: chr15-93002181-A-G. GRCh37 (hg19) VCF-style: chr15-93545411-A-G.
Other names: short protein forms D1381G.
Identifiers: ClinVar variation 1507269 (VCV001507269.8), dbSNP rs760717598, ClinGen allele CA393900659.
Genomic context (GRCh38, chr15:93,002,181, plus strand): 5'-ACATAAGTAGATATAAAATTTGTAGCAAAAATTCATAGCCCTGTTTTGTTTCCTAGGATG[A>G]TGGCTTGGAAAAAAGTCCAATGAAAAAAAAACAGAAGAAGAAAGAGAACAAGGAGAACAA-3'
Protein context (NP_001262.3, residues 1371-1391): NPSEEGEVKD[Asp1381Gly]GLEKSPMKKK

ClinVar aggregate classification (germline): Uncertain significance (1 of 4 stars; one submission).

Conditions:
Developmental and epileptic encephalopathy 94 (DEE94). Also called: Epileptic encephalopathy, childhood-onset; CHD2-Related Neurodevelopmental Disorders. Identifiers: Orphanet 1942, Orphanet 2382, MedGen C3809278, MONDO:0014150, OMIM 615369.

Submission:

Labcorp Genetics (formerly Invitae), Labcorp
Classification: Uncertain significance for Developmental and epileptic encephalopathy 94. Last evaluated: 2021-08-12. Review status: criteria provided, single submitter. Criteria: Invitae Variant Classification Sherloc (09022015). Collection method: clinical testing. Allele origin: germline.
Comment: In summary, the available evidence is currently insufficient to determine the role of this variant in disease. Therefore, it has been classified as a Variant of Uncertain Significance. Advanced modeling of protein sequence and biophysical properties (such as structural, functional, and spatial information, amino acid conservation, physicochemical variation, residue mobility, and thermodynamic stability) performed at Invitae indicates that this missense variant is not expected to disrupt CHD2 protein function. This variant has not been reported in the literature in individuals affected with CHD2-related conditions. This variant is not present in population databases (ExAC no frequency). This sequence change replaces aspartic acid with glycine at codon 1381 of the CHD2 protein (p.Asp1381Gly). The aspartic acid residue is highly conserved and there is a moderate physicochemical difference between aspartic acid and glycine.